The following is an entry in ClinVar:

ClinVar aggregate classification (germline): Uncertain significance (1 of 4 stars; one submission).

Conditions:
Hereditary cancer-predisposing syndrome. Also called: Hereditary Cancer Syndrome; Hereditary neoplastic syndrome; Neoplastic Syndromes, Hereditary; Tumor predisposition. Identifiers: Orphanet 140162, MedGen C0027672, MeSH D009386, MONDO:0015356.

Submission:

Ambry Genetics
Classification: Uncertain significance for Hereditary cancer-predisposing syndrome. Last evaluated: 2020-06-18. Review status: criteria provided, single submitter. Criteria: Ambry Variant Classification Scheme 2023. Collection method: clinical testing. Allele origin: germline.
Comment: The p.R199S variant (also known as c.595C>A), located in coding exon 6 of the PMS2 gene, results from a C to A substitution at nucleotide position 595. The arginine at codon 199 is replaced by serine, an amino acid with dissimilar properties. This amino acid position is highly conserved in available vertebrate species. In addition, this alteration is predicted to be deleterious by in silico analysis. Since supporting evidence is limited at this time, the clinical significance of this alteration remains unclear.

NM_000535.7(PMS2):c.595C>A (p.Arg199Ser)

Gene: PMS2 (PMS1 homolog 2, mismatch repair system component; minus strand). Cytogenetic location: 7p22.1.
Variant type: single nucleotide variant.
Coding change: c.595C>A on transcript NM_000535.7 (MANE Select); coding-DNA position 595, C replaced by A.
Protein change: p.Arg199Ser; replaces arginine 199 with serine.
Molecular consequence: missense variant. On other transcripts: 5 prime UTR variant (2), non-coding transcript variant (1), intron variant (1).
Genome position (GRCh38, 1-based): chr7:5,999,218, G>T on the plus strand (C>A on the coding strand, the complement: PMS2 is on the minus strand). VCF-style: chr7-5999218-G-T. GRCh37 (hg19) VCF-style: chr7-6038849-G-T.
Other names: c.190C>A, p.Arg64Ser (NM_001018040.1, NM_001322003.2, NM_001322004.2 and 22 more transcripts); c.595C>A, p.Arg199Ser (NM_001322006.2, NM_001322014.2, NM_001406869.1 and 5 more transcripts); c.277C>A, p.Arg93Ser (NM_001322007.2, NM_001322008.2, NM_001406876.1 and 4 more transcripts); c.-339C>A (NM_001322011.2, NM_001322012.2); c.286C>A, p.Arg96Ser (NM_001322015.2, NM_001406875.1, NM_001406877.1 and 6 more transcripts); c.781C>A, p.Arg261Ser (NM_001406866.1); c.619C>A, p.Arg207Ser (NM_001406868.1); c.259C>A, p.Arg87Ser (NM_001406885.1); and 1 more; short protein forms R207S, R64S, R93S, R87S, R199S, R261S, R96S.
Identifiers: ClinVar variation 1750717 (VCV001750717.2), dbSNP rs372297364, ClinGen allele CA366744017.
Genomic context (GRCh38, chr7:5,999,218, plus strand): 5'-CACCTGTGCATACCACAGGCTGTCGTTTTCCTTGTCCAAGCTGATTGGTGCAACTTACAC[G>T]GATGCCTGCTGAAATGATACAGTATGCATGTAAGACCTGGACCATTTTGGCATACTCCTG-3'
Protein context (NP_000526.2, residues 189-209): HAYCIISAGI[Arg199Ser]VSCTNQLGQG